The following is an entry in ClinVar:

NM_000218.3(KCNQ1):c.1015T>C (p.Phe339Leu)

Gene: KCNQ1 (potassium voltage-gated channel subfamily Q member 1; plus strand). Cytogenetic location: 11p15.5.
Variant type: single nucleotide variant.
Coding change: c.1015T>C on transcript NM_000218.3 (MANE Select); coding-DNA position 1015, T replaced by C.
Protein change: p.Phe339Leu; replaces phenylalanine 339 with leucine.
Molecular consequence: missense variant.
Genome position (GRCh38, 1-based): chr11:2,583,528, T>C. VCF-style: chr11-2583528-T-C. GRCh37 (hg19) VCF-style: chr11-2604758-T-C.
Other names: c.1015T>C, p.Phe339Leu (NM_001406836.1); c.745T>C, p.Phe249Leu (NM_001406837.1); c.571T>C, p.Phe191Leu (NM_001406838.1); c.634T>C, p.Phe212Leu (NM_181798.2); short protein forms F249L, F191L, F339L, F212L.
Identifiers: ClinVar variation 2899376 (VCV002899376.6), dbSNP rs2133750928, ClinGen allele CA379133111.

ClinVar aggregate classification (germline): Conflicting classifications of pathogenicity. Review status: criteria provided, conflicting classifications (1 of 4 stars). 3 submissions from 3 submitters: Likely pathogenic (2); Uncertain significance (1). Last evaluated 2026-07-06.

Conditions:
Cardiovascular phenotype. Identifiers: MedGen CN230736.
Long QT syndrome (LQTS). Identifiers: MedGen C0023976, MeSH D008133, MONDO:0002442. Disease mechanism: loss of function. Inheritance: Various modes of inheritance.

Submissions (3):

GeneDx
Classification: Likely pathogenic. Last evaluated: 2026-07-06. Review status: criteria provided, single submitter. Criteria: GeneDx Variant Classification Process June 2021. Collection method: clinical testing. Allele origin: germline.
Comment: Has not been previously published as pathogenic or benign germline variant to our knowledge; Not observed at significant frequency in large population cohorts (gnomAD); In silico analysis supports that this missense variant has a deleterious effect on protein structure/function; This variant is associated with the following publications: (PMID: 37748809)

Ambry Genetics
Classification: Uncertain significance for Cardiovascular phenotype. Last evaluated: 2024-01-10. Review status: criteria provided, single submitter. Criteria: Ambry Variant Classification Scheme 2023. Collection method: clinical testing. Allele origin: germline.
Comment: The p.F339L variant (also known as c.1015T>C), located in coding exon 7 of the KCNQ1 gene, results from a T to C substitution at nucleotide position 1015. The phenylalanine at codon 339 is replaced by leucine, an amino acid with highly similar properties. One functional study indicated this variant may impact channel current; however, additional evidence is needed to confirm this finding (Hou P et al. Nat Commun, 2020 Feb;11:676). This amino acid position is highly conserved in available vertebrate species. In addition, this alteration is predicted to be deleterious by in silico analysis. Since supporting evidence is limited at this time, the clinical significance of this alteration remains unclear.

Labcorp Genetics (formerly Invitae), Labcorp
Classification: Likely pathogenic for Long QT syndrome. Last evaluated: 2023-12-14. Review status: criteria provided, single submitter. Criteria: Invitae Variant Classification Sherloc (09022015). Collection method: clinical testing. Allele origin: germline.
Comment: This sequence change replaces phenylalanine, which is neutral and non-polar, with leucine, which is neutral and non-polar, at codon 339 of the KCNQ1 protein (p.Phe339Leu). This variant is not present in population databases (gnomAD no frequency). This variant has not been reported in the literature in individuals affected with KCNQ1-related conditions. Advanced modeling of protein sequence and biophysical properties (such as structural, functional, and spatial information, amino acid conservation, physicochemical variation, residue mobility, and thermodynamic stability) performed at Invitae indicates that this missense variant is expected to disrupt KCNQ1 protein function with a positive predictive value of 95%. This variant disrupts the p.Phe339 amino acid residue in KCNQ1. Other variant(s) that disrupt this residue have been determined to be pathogenic (PMID: 17224687, 19808498; Invitae). This suggests that this residue is clinically significant, and that variants that disrupt this residue are likely to be disease-causing. In summary, the currently available evidence indicates that the variant is pathogenic, but additional data are needed to prove that conclusively. Therefore, this variant has been classified as Likely Pathogenic.

Literature cited by the submitters: PubMed 32015334 (cited by Ambry Genetics); PubMed 37748809 (cited by Ambry Genetics); PubMed 17224687 (cited by Labcorp Genetics (formerly Invitae), Labcorp); PubMed 19808498 (cited by Labcorp Genetics (formerly Invitae), Labcorp).